The following is an entry in ClinVar:

NM_002291.3(LAMB1):c.1624G>A (p.Glu542Lys)

Gene: LAMB1 (laminin subunit beta 1; minus strand). Cytogenetic location: 7q31.1.
Variant type: single nucleotide variant.
Coding change: c.1624G>A on transcript NM_002291.3 (MANE Select); coding-DNA position 1624, G replaced by A.
Protein change: p.Glu542Lys; replaces glutamic acid 542 with lysine.
Molecular consequence: missense variant.
Genome position (GRCh38, 1-based): chr7:107,964,626, C>T on the plus strand (G>A on the coding strand, the complement: LAMB1 is on the minus strand). VCF-style: chr7-107964626-C-T. GRCh37 (hg19) VCF-style: chr7-107605071-C-T.
Other names: c.1624G>A (NM_002291.2); short protein forms E542K.
Identifiers: ClinVar variation 1381988 (VCV001381988.6), dbSNP rs147368503, ClinGen allele CA4435950.

ClinVar aggregate classification (germline): Uncertain significance. Review status: criteria provided, multiple submitters, no conflicts (2 of 4 stars). 3 submissions from 3 submitters: Uncertain significance (3). Last evaluated 2025-06-06.

Conditions:
Inborn genetic diseases. Identifiers: MedGen C0950123, MeSH D030342.

Allele frequency attached by ClinVar (database versions not stated): gnomAD exomes 0.00008 and 0.00016; ExAC 0.00014; ESP Exome Variant Server 0.00015.
gnomAD v4.1: 135 of 1,614,050 alleles (0.0084%); highest among the groups gnomAD compares: African/African-American, 0.033%; no homozygotes.

Submissions (3):

Labcorp Genetics (formerly Invitae), Labcorp
Classification: Uncertain significance. Last evaluated: 2025-06-06. Review status: criteria provided, single submitter. Criteria: Invitae Variant Classification Sherloc (09022015). Collection method: clinical testing. Allele origin: germline.
Comment: This sequence change replaces glutamic acid, which is acidic and polar, with lysine, which is basic and polar, at codon 542 of the LAMB1 protein (p.Glu542Lys). This variant is present in population databases (rs147368503, gnomAD 0.1%). This variant has not been reported in the literature in individuals affected with LAMB1-related conditions. ClinVar contains an entry for this variant (Variation ID: 1381988). An algorithm developed to predict the effect of missense changes on protein structure and function (PolyPhen-2) suggests that this variant is likely to be tolerated. In summary, the available evidence is currently insufficient to determine the role of this variant in disease. Therefore, it has been classified as a Variant of Uncertain Significance.

GeneDx
Classification: Uncertain significance. Last evaluated: 2025-01-22. Review status: criteria provided, single submitter. Criteria: GeneDx Variant Classification Process June 2021. Collection method: clinical testing. Allele origin: germline. Affected: yes.
Comment: In silico analysis indicates that this missense variant does not alter protein structure/function; Has not been previously published as pathogenic or benign to our knowledge

Ambry Genetics
Classification: Uncertain significance for Inborn genetic diseases. Last evaluated: 2022-07-05. Review status: criteria provided, single submitter. Criteria: Ambry Variant Classification Scheme 2023. Collection method: clinical testing. Allele origin: germline.